The following is an entry in ClinVar:

NM_000180.4(GUCY2D):c.710C>A (p.Pro237His)

Gene: GUCY2D (guanylate cyclase 2D, retinal; plus strand). Cytogenetic location: 17p13.1.
Variant type: single nucleotide variant.
Coding change: c.710C>A on transcript NM_000180.4 (MANE Select); coding-DNA position 710, C replaced by A.
Protein change: p.Pro237His; replaces proline 237 with histidine.
Molecular consequence: missense variant.
Genome position (GRCh38, 1-based): chr17:8,003,757, C>A. VCF-style: chr17-8003757-C-A. GRCh37 (hg19) VCF-style: chr17-7907075-C-A.
Other names: short protein forms P237H.
Identifiers: ClinVar variation 1348119 (VCV001348119.7), dbSNP rs765439946, ClinGen allele CA8365539.

ClinVar aggregate classification (germline): Uncertain significance. Review status: criteria provided, multiple submitters, no conflicts (2 of 4 stars). 3 submissions from 3 submitters: Uncertain significance (3). Last evaluated 2025-12-15.

Conditions:
Leber congenital amaurosis 1 (LCA1). Also called: AMAUROSIS CONGENITA OF LEBER I; Congenital absence of the rods and cones; Leber's congenital tapetoretinal degeneration; Leber's congenital tapetoretinal dysplasia; RETINAL BLINDNESS, CONGENITAL. Identifiers: Orphanet 65, MedGen C2931258, MONDO:0008764, OMIM 204000.
Cone-rod dystrophy 6 (CORD6). Also called: Cone dystrophy progressive; RETINAL CONE DYSTROPHY 2. Identifiers: Orphanet 1872, MedGen C1866293, MONDO:0011143, OMIM 601777.

Allele frequency attached by ClinVar (database versions not stated): gnomAD exomes below 0.00001; ExAC 0.00001; gnomAD 0.00001.
gnomAD v4.1: 1 of 1,599,300 alleles (0.000063%); highest among the groups gnomAD compares: East Asian, 0.0022%; no homozygotes.

Submissions (3):

Women's Health and Genetics/Laboratory Corporation of America, LabCorp
Classification: Uncertain significance. Last evaluated: 2025-12-15. Review status: criteria provided, single submitter. Criteria: LabCorp Variant Classification Summary - May 2015. Collection method: clinical testing. Allele origin: germline.
Comment: Variant summary: GUCY2D c.710C>A (p.Pro237His) results in a non-conservative amino acid change in the encoded protein sequence. Algorithms developed to predict the effect of missense changes on protein structure and function are either unavailable or do not agree on the potential impact of this missense change. The variant allele was found at a frequency of 4.4e-06 in 227754 control chromosomes (gnomAD v2.1). The available data on variant occurrences in the general population are insufficient to allow any conclusion about variant significance. To our knowledge, no occurrence of c.710C>A in individuals affected with GUCY2D-related conditions and no experimental evidence demonstrating its impact on protein function have been reported. ClinVar contains an entry for this variant (Variation ID: 1348119). Based on the evidence outlined above, the variant was classified as uncertain significance.

Labcorp Genetics (formerly Invitae), Labcorp
Classification: Uncertain significance for Leber congenital amaurosis 1; Cone-rod dystrophy 6. Last evaluated: 2022-09-27. Review status: criteria provided, single submitter. Criteria: Invitae Variant Classification Sherloc (09022015). Collection method: clinical testing. Allele origin: germline.
Comment: This sequence change replaces proline, which is neutral and non-polar, with histidine, which is basic and polar, at codon 237 of the GUCY2D protein (p.Pro237His). This variant is present in population databases (rs765439946, gnomAD 0.006%). This variant has not been reported in the literature in individuals affected with GUCY2D-related conditions. ClinVar contains an entry for this variant (Variation ID: 1348119). Advanced modeling of protein sequence and biophysical properties (such as structural, functional, and spatial information, amino acid conservation, physicochemical variation, residue mobility, and thermodynamic stability) performed at Invitae indicates that this missense variant is not expected to disrupt GUCY2D protein function. In summary, the available evidence is currently insufficient to determine the role of this variant in disease. Therefore, it has been classified as a Variant of Uncertain Significance.

Blueprint Genetics
Classification: Uncertain significance. Last evaluated: 2020-05-22. Review status: criteria provided, single submitter. Criteria: ACMG Guidelines, 2015. Collection method: clinical testing. Allele origin: germline.